The following is an entry in ClinVar:

ClinVar aggregate classification (germline): Conflicting classifications of pathogenicity. Review status: criteria provided, conflicting classifications (1 of 4 stars). 2 submissions from 2 submitters: Uncertain significance (1); Benign (1). Last evaluated 2026-07-30.

Conditions:
Hereditary cancer-predisposing syndrome. Also called: Hereditary Cancer Syndrome; Hereditary neoplastic syndrome; Neoplastic Syndromes, Hereditary; Tumor predisposition. Identifiers: Orphanet 140162, MedGen C0027672, MeSH D009386, MONDO:0015356.
Ovarian cancer. Also called: OVARIAN CANCER, SOMATIC. Identifiers: Orphanet 213500, MedGen C1140680, MONDO:0008170, OMIM 167000.

Submissions (2):

Ambry Genetics
Classification: Uncertain significance for Hereditary cancer-predisposing syndrome. Last evaluated: 2026-07-30. Review status: criteria provided, single submitter. Criteria: Ambry Variant Classification Scheme 2023. Collection method: clinical testing. Allele origin: germline.
Comment: The p.S646R variant (also known as c.1938C>A), located in coding exon 14 of the PTCH1 gene, results from a C to A substitution at nucleotide position 1938. The serine at codon 646 is replaced by arginine, an amino acid with dissimilar properties. This amino acid position is highly conserved in available vertebrate species. In addition, the in silico prediction for this alteration is inconclusive. Based on the available evidence, the clinical significance of this variant remains unclear.

Laboratory of Molecular Epidemiology of Birth Defects, West China Second University Hospital, Sichuan University
Classification: Benign for Ovarian cancer. Last evaluated: 2022-01-01. Review status: criteria provided, single submitter. Criteria: ACMG Guidelines, 2015. Collection method: clinical testing. Allele origin: germline. Affected: yes.

NM_000264.5(PTCH1):c.1938C>A (p.Ser646Arg)

Genes: PTCH1 (patched 1; minus strand), LOC100507346 (uncharacterized LOC100507346; plus strand). Cytogenetic location: 9q22.32.
Variant type: single nucleotide variant.
Coding change: c.1938C>A on transcript NM_000264.5 (MANE Select); coding-DNA position 1938, C replaced by A.
Protein change: p.Ser646Arg; replaces serine 646 with arginine.
Molecular consequence: missense variant. On other transcripts: non-coding transcript variant (2).
Genome position (GRCh38, 1-based): chr9:95,469,063, G>T on the plus strand (C>A on the coding strand, the complement: PTCH1 is on the minus strand). VCF-style: chr9-95469063-G-T. GRCh37 (hg19) VCF-style: chr9-98231345-G-T.
Other names: c.1740C>A, p.Ser580Arg (NM_001083602.3); c.1935C>A, p.Ser645Arg (NM_001083603.3); c.1485C>A, p.Ser495Arg (NM_001083604.3, NM_001083605.3, NM_001083606.3 and 1 more transcripts); c.1782C>A, p.Ser594Arg (NM_001354918.2); short protein forms S495R, S580R, S594R, S645R, S646R.
Identifiers: ClinVar variation 2445336 (VCV002445336.3), dbSNP rs2118052414, ClinGen allele CA374116008.